The following is an entry in ClinVar:

ClinVar aggregate classification (germline): Uncertain significance. Review status: criteria provided, multiple submitters, no conflicts (2 of 4 stars). 4 submissions from 4 submitters: Uncertain significance (3). 1 of the submissions does not count toward it. Last evaluated 2025-09-02.

Conditions:
TUB-related disorder. Also called: TUB-related condition.
Retinal dystrophy and obesity (RDOB). Identifiers: Orphanet 791, MedGen C4015424, MONDO:0014522, OMIM 616188.

Allele frequency attached by ClinVar (database versions not stated): TOPMed 0.00003.
gnomAD v4.1: 23 of 1,614,050 alleles (0.0014%); highest among the groups gnomAD compares: Admixed American, 0.028%; no homozygotes.

Submissions (4):

Labcorp Genetics (formerly Invitae), Labcorp
Classification: Uncertain significance. Last evaluated: 2025-09-02. Review status: criteria provided, single submitter. Criteria: Invitae Variant Classification Sherloc (09022015). Collection method: clinical testing. Allele origin: germline.
Comment: This sequence change replaces alanine, which is neutral and non-polar, with valine, which is neutral and non-polar, at codon 153 of the TUB protein (p.Ala153Val). This variant is not present in population databases (gnomAD no frequency). This variant has not been reported in the literature in individuals affected with TUB-related conditions. ClinVar contains an entry for this variant (Variation ID: 834503). An algorithm developed to predict the effect of missense changes on protein structure and function (PolyPhen-2) suggests that this variant is likely to be tolerated. In summary, the available evidence is currently insufficient to determine the role of this variant in disease. Therefore, it has been classified as a Variant of Uncertain Significance.

Ambry Genetics
Classification: Uncertain significance. Last evaluated: 2023-12-26. Review status: criteria provided, single submitter. Criteria: Ambry Variant Classification Scheme 2023. Collection method: clinical testing. Allele origin: germline.

New York Genome Center
Classification: Uncertain significance for Retinal dystrophy and obesity. Last evaluated: 2021-02-28. Review status: criteria provided, single submitter. Criteria: NYGC Assertion Criteria 2020. Collection method: clinical testing. Allele origin: germline. Observed: 1 heterozygote.

PreventionGenetics, part of Exact Sciences
Classification: Uncertain significance for TUB-related condition. Last evaluated: 2024-03-26. Review status: no assertion criteria provided. Collection method: clinical testing. Allele origin: germline. Not counted in ClinVar's aggregate classification.
Comment: The TUB c.458C>T variant is predicted to result in the amino acid substitution p.Ala153Val. To our knowledge, this variant has not been reported in the literature or in a large population database, indicating this variant is rare. At this time, the clinical significance of this variant is uncertain due to the absence of conclusive functional and genetic evidence.

NM_177972.3(TUB):c.293C>T (p.Ala98Val)

Genes: RIC3 (RIC3 acetylcholine receptor chaperone; minus strand), TUB (TUB bipartite transcription factor; plus strand). Cytogenetic location: 11p15.4.
Variant type: single nucleotide variant.
Coding change: c.293C>T on transcript NM_177972.3 (MANE Select); coding-DNA position 293, C replaced by T.
Protein change: p.Ala98Val; replaces alanine 98 with valine.
Molecular consequence: missense variant. On other transcripts: non-coding transcript variant (1).
Genome position (GRCh38, 1-based): chr11:8,094,085, C>T. VCF-style: chr11-8094085-C-T. GRCh37 (hg19) VCF-style: chr11-8115632-C-T.
Other names: c.458C>T, p.Ala153Val (NM_003320.5); short protein forms A153V, A98V.
Identifiers: ClinVar variation 834503 (VCV000834503.9), dbSNP rs909748733, ClinGen allele CA217419471.